The following is an entry in ClinVar:

ClinVar aggregate classification (germline): Likely pathogenic (1 of 4 stars; one submission).

Conditions:
Mucopolysaccharidosis type 7 (MPS7). Also called: MPS VII; SLY SYNDROME; GUSB DEFICIENCY; BETA-GLUCURONIDASE DEFICIENCY. Identifiers: Orphanet 584, MedGen C0085132, MONDO:0009662, OMIM 253220.

Submission:

Molecular Genetics Department, Kulakov National Medical Research Center for Obstetrics, Gynecology and Perinatology
Classification: Likely pathogenic for Mucopolysaccharidosis type 7. Review status: criteria provided, single submitter. Criteria: ACMG Guidelines, 2015. Collection method: clinical testing. Allele origin: paternal. Affected: yes.
Comment: A previously undescribed nucleotide variant creates a missense p.Arg357Leu in the GUSB gene. Homozygous and compound heterozygous variants are reported in patients with Mucopolysaccharidosis VII, 253220. The variant is not present in population database (gnomAD no frequency). In summary, the currently available evidence indicates that the variant is pathogenic, but additional data are needed to prove that conclusively. Therefore, this variant has been classified as likely pathogenic.

NM_000181.4(GUSB):c.1070G>T (p.Arg357Leu)

Gene: GUSB (glucuronidase beta; minus strand). Cytogenetic location: 7q11.21.
Variant type: single nucleotide variant.
Coding change: c.1070G>T on transcript NM_000181.4 (MANE Select); coding-DNA position 1070, G replaced by T.
Protein change: p.Arg357Leu; replaces arginine 357 with leucine.
Molecular consequence: missense variant. On other transcripts: non-coding transcript variant (1).
Genome position (GRCh38, 1-based): chr7:65,974,700, C>A on the plus strand (G>T on the coding strand, the complement: GUSB is on the minus strand). VCF-style: chr7-65974700-C-A. GRCh37 (hg19) VCF-style: chr7-65439687-C-A.
Other names: c.632G>T, p.Arg211Leu (NM_001284290.2); c.500G>T, p.Arg167Leu (NM_001293104.2); c.413G>T, p.Arg138Leu (NM_001293105.2); short protein forms R138L, R167L, R211L, R357L.
Identifiers: ClinVar variation 3062298 (VCV003062298.1), dbSNP rs886527135, ClinGen allele CA367644317.